The following is an entry in ClinVar:

NM_016734.3(PAX5):c.45A>G (p.Thr15=)

Gene: PAX5 (paired box 5; minus strand). Cytogenetic location: 9p13.2.
Variant type: single nucleotide variant.
Coding change: c.45A>G on transcript NM_016734.3 (MANE Select); coding-DNA position 45, A replaced by G.
Protein change: p.Thr15=; no amino-acid change (threonine 15 retained).
Molecular consequence: synonymous variant. On other transcripts: 5 prime UTR variant (2), non-coding transcript variant (2).
Genome position (GRCh38, 1-based): chr9:37,033,987, T>C on the plus strand (A>G on the coding strand, the complement: PAX5 is on the minus strand). VCF-style: chr9-37033987-T-C. GRCh37 (hg19) VCF-style: chr9-37033984-T-C.
Other names: c.45A>G, p.Thr15= (NM_001280547.2, NM_001280548.2, NM_001280549.2 and 5 more transcripts); c.-114A>G (NM_001280551.2, NM_001280556.2).
Identifiers: ClinVar variation 2571875 (VCV002571875.1), dbSNP rs1403953458, ClinGen allele CA465061654.

ClinVar aggregate classification (germline): Uncertain significance (1 of 4 stars; one submission).

Allele frequency attached by ClinVar (database versions not stated): TOPMed below 0.00001; gnomAD 0.00001.
gnomAD v4.1: 49 of 1,611,560 alleles (0.003%); highest among the groups gnomAD compares: African/African-American, 0.004%; no homozygotes.

Submission:

GeneDx
Classification: Uncertain significance. Last evaluated: 2023-01-05. Review status: criteria provided, single submitter. Criteria: GeneDx Variant Classification Process June 2021. Collection method: clinical testing. Allele origin: germline. Affected: yes.
Comment: Not observed at significant frequency in large population cohorts (gnomAD); In silico analysis supports a deleterious effect on splicing; Has not been previously published as pathogenic or benign to our knowledge